The following is an entry in ClinVar:

NM_006031.6(PCNT):c.689G>A (p.Arg230His)

Gene: PCNT (pericentrin; plus strand). Cytogenetic location: 21q22.3.
Variant type: single nucleotide variant.
Coding change: c.689G>A on transcript NM_006031.6 (MANE Select); coding-DNA position 689, G replaced by A.
Protein change: p.Arg230His; replaces arginine 230 with histidine.
Molecular consequence: missense variant.
Genome position (GRCh38, 1-based): chr21:46,346,177, G>A. VCF-style: chr21-46346177-G-A. GRCh37 (hg19) VCF-style: chr21-47766091-G-A.
Other names: c.335G>A, p.Arg112His (NM_001315529.2); short protein forms R112H, R230H.
Identifiers: ClinVar variation 3040745 (VCV003040745.3), dbSNP rs1368962251, ClinGen allele CA410552118.

ClinVar aggregate classification (germline): Uncertain significance. Review status: criteria provided, single submitter (1 of 4 stars). 2 submissions from 2 submitters: Uncertain significance (1). 1 of the submissions does not count toward it. Last evaluated 2025-04-21.

Conditions:
PCNT-related disorder. Also called: PCNT-related condition.

Allele frequency attached by ClinVar (database versions not stated): gnomAD exomes 0.00001; gnomAD 0.00001; TOPMed 0.00001.
gnomAD v4.1: 12 of 1,612,764 alleles (0.00074%); highest among the groups gnomAD compares: South Asian, 0.0044%; no homozygotes.

Submissions (2):

Labcorp Genetics (formerly Invitae), Labcorp
Classification: Uncertain significance. Last evaluated: 2025-04-21. Review status: criteria provided, single submitter. Criteria: Invitae Variant Classification Sherloc (09022015). Collection method: clinical testing. Allele origin: germline.
Comment: This sequence change replaces arginine, which is basic and polar, with histidine, which is basic and polar, at codon 230 of the PCNT protein (p.Arg230His). This variant is present in population databases (no rsID available, gnomAD 0.006%). This variant has not been reported in the literature in individuals affected with PCNT-related conditions. ClinVar contains an entry for this variant (Variation ID: 3040745). An algorithm developed to predict the effect of missense changes on protein structure and function outputs the following: PolyPhen-2: "Benign". The histidine amino acid residue is found in multiple mammalian species, which suggests that this missense change does not adversely affect protein function. In summary, the available evidence is currently insufficient to determine the role of this variant in disease. Therefore, it has been classified as a Variant of Uncertain Significance.

PreventionGenetics, part of Exact Sciences
Classification: Uncertain significance for PCNT-related condition. Last evaluated: 2023-12-19. Review status: no assertion criteria provided. Collection method: clinical testing. Allele origin: germline. Not counted in ClinVar's aggregate classification.
Comment: The PCNT c.689G>A variant is predicted to result in the amino acid substitution p.Arg230His. To our knowledge, this variant has not been reported in the literature. This variant is reported in 0.0065% of alleles in individuals of South Asian descent in gnomAD. At this time, the clinical significance of this variant is uncertain due to the absence of conclusive functional and genetic evidence.